The following is an entry in ClinVar:

NM_004336.5(BUB1):c.2195A>G (p.Asp732Gly)

Gene: BUB1 (BUB1 mitotic checkpoint serine/threonine kinase; minus strand). Cytogenetic location: 2q13.
Variant type: single nucleotide variant.
Coding change: c.2195A>G on transcript NM_004336.5 (MANE Select); coding-DNA position 2195, A replaced by G.
Protein change: p.Asp732Gly; replaces aspartic acid 732 with glycine.
Molecular consequence: missense variant.
Genome position (GRCh38, 1-based): chr2:110,650,554, T>C on the plus strand (A>G on the coding strand, the complement: BUB1 is on the minus strand). VCF-style: chr2-110650554-T-C. GRCh37 (hg19) VCF-style: chr2-111408131-T-C.
Other names: c.2135A>G, p.Asp712Gly (NM_001278616.2); c.2195A>G, p.Asp732Gly (NM_001278617.2); short protein forms D712G, D732G.
Identifiers: ClinVar variation 1787471 (VCV001787471.2), dbSNP rs2467990510, ClinGen allele CA348209694.
Genomic context (GRCh38, chr2:110,650,554, plus strand): 5'-CCCCATGCTCCTGTCCTGATTCAAGGGCATAACAAAGAGTGAGTGTTCGTACTTGGAGCA[T>C]CAACAGTCCCAAGTGAACTCATCTGCATCCATTCTGCTTGGAGCCCAGCAATAGCATCTG-3'
Protein context (NP_004327.1, residues 722-742): WMQMSSLGTV[Asp732Gly]APNFIVGNPW

ClinVar aggregate classification (germline): Uncertain significance (1 of 4 stars; one submission).

Submission:

Ambry Genetics
Classification: Uncertain significance. Last evaluated: 2022-02-27. Review status: criteria provided, single submitter. Criteria: Ambry Variant Classification Scheme 2023. Collection method: clinical testing. Allele origin: germline.
Comment: The p.D732G variant (also known as c.2195A>G), located in coding exon 18 of the BUB1 gene, results from an A to G substitution at nucleotide position 2195. The aspartic acid at codon 732 is replaced by glycine, an amino acid with similar properties. This amino acid position is conserved. In addition, this alteration is predicted to be tolerated by in silico analysis. Since supporting evidence is limited at this time, the clinical significance of this alteration remains unclear.